The following is an entry in ClinVar:

NM_000412.5(HRG):c.770C>T (p.Pro257Leu)

Gene: HRG (histidine rich glycoprotein; plus strand). Cytogenetic location: 3q27.3.
Variant type: single nucleotide variant.
Coding change: c.770C>T on transcript NM_000412.5 (MANE Select); coding-DNA position 770, C replaced by T.
Protein change: p.Pro257Leu; replaces proline 257 with leucine.
Molecular consequence: missense variant.
Genome position (GRCh38, 1-based): chr3:186,677,075, C>T. VCF-style: chr3-186677075-C-T. GRCh37 (hg19) VCF-style: chr3-186394864-C-T.
Other names: c.770C>T (NM_000412.2); short protein forms P257L.
Identifiers: ClinVar variation 3044023 (VCV003044023.3), dbSNP rs150522400, ClinGen allele CA2745806.
Genomic context (GRCh38, chr3:186,677,075, plus strand): 5'-GATGATAGGCACTTTTCTGTGACCTTTTCCAGGAACATGAGAACATCAATGGTGTACCGC[C>T]TCATTTGGGACATCCCTTCCACTGGGGTGGGCATGAGCGTTCTTCTACCACCAAGCCTCC-3'
Protein context (NP_000403.1, residues 247-267): QEHENINGVP[Pro257Leu]HLGHPFHWGG

ClinVar aggregate classification (germline): Uncertain significance. Review status: criteria provided, single submitter (1 of 4 stars). 2 submissions from 2 submitters: Uncertain significance (1). 1 of the submissions does not count toward it. Last evaluated 2025-08-05.

Conditions:
HRG-related disorder. Also called: HRG-related condition.

Allele frequency attached by ClinVar (database versions not stated): gnomAD exomes 0.00027; ExAC 0.00070; gnomAD 0.00290; ESP Exome Variant Server 0.00292; TOPMed 0.00292; 1000 Genomes Project 0.00319; 1000 Genomes Project 30x 0.00328.
gnomAD v4.1: 837 of 1,614,036 alleles (0.052%); highest among the groups gnomAD compares: African/African-American, 1%; 6 homozygotes.

Submissions (2):

Ambry Genetics
Classification: Uncertain significance. Last evaluated: 2025-08-05. Review status: criteria provided, single submitter. Criteria: Ambry Variant Classification Scheme 2023. Collection method: clinical testing. Allele origin: germline.

PreventionGenetics, part of Exact Sciences
Classification: Benign for HRG-related condition. Last evaluated: 2019-06-06. Review status: no assertion criteria provided. Collection method: clinical testing. Allele origin: germline. Not counted in ClinVar's aggregate classification.
Comment: This variant is classified as benign based on ACMG/AMP sequence variant interpretation guidelines (Richards et al. 2015 PMID: 25741868, with internal and published modifications).